The following is an entry in ClinVar:

NM_000726.5(CACNB4):c.1489C>A (p.Gln497Lys)

Gene: CACNB4 (calcium voltage-gated channel auxiliary subunit beta 4; minus strand). Cytogenetic location: 2q23.3.
Variant type: single nucleotide variant.
Coding change: c.1489C>A on transcript NM_000726.5 (MANE Select); coding-DNA position 1489, C replaced by A.
Protein change: p.Gln497Lys; replaces glutamine 497 with lysine.
Molecular consequence: missense variant.
Genome position (GRCh38, 1-based): chr2:151,839,193, G>T on the plus strand (C>A on the coding strand, the complement: CACNB4 is on the minus strand). VCF-style: chr2-151839193-G-T. GRCh37 (hg19) VCF-style: chr2-152695707-G-T.
Other names: c.1435C>A, p.Gln479Lys (NM_001005746.4); c.1387C>A, p.Gln463Lys (NM_001005747.4); c.1303C>A, p.Gln435Lys (NM_001145798.3); c.1348C>A, p.Gln450Lys (NM_001320722.3, NM_001330118.2); c.1246C>A, p.Gln416Lys (NM_001330113.2); c.835C>A, p.Gln279Lys (NM_001330114.2); c.1198C>A, p.Gln400Lys (NM_001330115.2); c.1159C>A, p.Gln387Lys (NM_001330116.2); and 1 more; short protein forms Q279K, Q435K, Q479K, Q497K, Q311K, Q387K, Q416K, Q450K.
Identifiers: ClinVar variation 1045806 (VCV001045806.8), dbSNP rs1354478341, ClinGen allele CA348810743.

ClinVar aggregate classification (germline): Uncertain significance (1 of 4 stars; one submission).

Conditions:
Idiopathic generalized epilepsy. Also called: EIG; Generalised epilepsy. Identifiers: MedGen C0270850, MONDO:0005579, OMIM 600669.

Allele frequency attached by ClinVar (database versions not stated): gnomAD exomes below 0.00001; gnomAD 0.00001; TOPMed 0.00001.
gnomAD v4.1: 6 of 1,613,230 alleles (0.00037%); highest among the groups gnomAD compares: African/African-American, 0.0053%; no homozygotes.

Submission:

Labcorp Genetics (formerly Invitae), Labcorp
Classification: Uncertain significance for Idiopathic generalized epilepsy. Last evaluated: 2020-01-29. Review status: criteria provided, single submitter. Criteria: Invitae Variant Classification Sherloc (09022015). Collection method: clinical testing. Allele origin: germline.
Comment: In summary, the available evidence is currently insufficient to determine the role of this variant in disease. Therefore, it has been classified as a Variant of Uncertain Significance. Algorithms developed to predict the effect of missense changes on protein structure and function (SIFT, PolyPhen-2, Align-GVGD) all suggest that this variant is likely to be tolerated, but these predictions have not been confirmed by published functional studies and their clinical significance is uncertain. This variant has not been reported in the literature in individuals with CACNB4-related conditions. This variant is not present in population databases (ExAC no frequency). This sequence change replaces glutamine with lysine at codon 497 of the CACNB4 protein (p.Gln497Lys). The glutamine residue is moderately conserved and there is a small physicochemical difference between glutamine and lysine.